The following is an entry in ClinVar:

NM_017866.6(TMEM70):c.241T>G (p.Phe81Val)

Gene: TMEM70 (transmembrane protein 70; plus strand). Cytogenetic location: 8q21.11.
Variant type: single nucleotide variant.
Coding change: c.241T>G on transcript NM_017866.6 (MANE Select); coding-DNA position 241, T replaced by G.
Protein change: p.Phe81Val; replaces phenylalanine 81 with valine.
Molecular consequence: missense variant. On other transcripts: non-coding transcript variant (1).
Genome position (GRCh38, 1-based): chr8:73,978,786, T>G. VCF-style: chr8-73978786-T-G. GRCh37 (hg19) VCF-style: chr8-74891021-T-G.
Other names: c.241T>G, p.Phe81Val (NM_001040613.3); short protein forms F81V.
Identifiers: ClinVar variation 2054438 (VCV002054438.1), dbSNP rs1454234092, ClinGen allele CA371489547.
Genomic context (GRCh38, chr8:73,978,786, plus strand): 5'-AGTTGACCATAATGATCCCTGTTTCAATAGATCCCTGTTTATTGGGAAGGATATGTTCGA[T>G]TCTTAAATACGCCATCTGACAAATCAGAAGATGGAAGGCTAATTTATACTGGCAATATGG-3'
Protein context (NP_060336.3, residues 71-91): IPVYWEGYVR[Phe81Val]LNTPSDKSED

ClinVar aggregate classification (germline): Uncertain significance (1 of 4 stars; one submission).

Conditions:
Mitochondrial complex V (ATP synthase) deficiency, nuclear type 2. Also called: Nuclear-Encoded ATPase Deficiency, TMEM70-Related; ENCEPHALOCARDIOMYOPATHY, MITOCHONDRIAL, NEONATAL, DUE TO ATP SYNTHASE DEFICIENCY; MITOCHONDRIAL COMPLEX V (ATP SYNTHASE) DEFICIENCY, TMEM70 TYPE. Identifiers: Orphanet 1194, MedGen C3279699, MONDO:0013546, OMIM 614052.

Allele frequency attached by ClinVar (database versions not stated): gnomAD exomes below 0.00001; TOPMed 0.00001.
gnomAD v4.1: 4 of 1,614,052 alleles (0.00025%); highest among the groups gnomAD compares: Non-Finnish European, 0.00034%; no homozygotes.

Submission:

Labcorp Genetics (formerly Invitae), Labcorp
Classification: Uncertain significance for Mitochondrial complex V (ATP synthase) deficiency, nuclear type 2. Last evaluated: 2022-07-20. Review status: criteria provided, single submitter. Criteria: Invitae Variant Classification Sherloc (09022015). Collection method: clinical testing. Allele origin: germline.
Comment: This sequence change replaces phenylalanine, which is neutral and non-polar, with valine, which is neutral and non-polar, at codon 81 of the TMEM70 protein (p.Phe81Val). This variant is not present in population databases (gnomAD no frequency). This variant has not been reported in the literature in individuals affected with TMEM70-related conditions. Algorithms developed to predict the effect of missense changes on protein structure and function (SIFT, PolyPhen-2, Align-GVGD) all suggest that this variant is likely to be tolerated. In summary, the available evidence is currently insufficient to determine the role of this variant in disease. Therefore, it has been classified as a Variant of Uncertain Significance.